The following is an entry in ClinVar:

ClinVar aggregate classification (germline): Likely pathogenic (1 of 4 stars; one submission).

Conditions:
Spinocerebellar ataxia type 40. Identifiers: Orphanet 423275, MedGen C4518336, MONDO:0014475, OMIM 616053.

Submission:

OLLIN Analises Genomicas, OLLIN
Classification: Likely pathogenic for Spinocerebellar ataxia type 40. Last evaluated: 2026-08-06. Review status: criteria provided, single submitter. Criteria: ACMG Guidelines 2015 PMID 25741868. Collection method: clinical testing. Allele origin: germline. Inheritance: Autosomal dominant inheritance.
Comment: This frameshift variant, located in exon 21 (of 30), is absent from gnomAD and ClinVar and has not been identified in the literature. This variant causes a frameshift and introduces a premature stop codon, which is predicted to result in either a truncated protein or degradation of the mRNA via nonsense-mediated decay (NMD). According to the currently available evidence, this variant has been classified as likely pathogenic (PVS1, PM2_P).

NM_001080414.4(CCDC88C):c.3733dup (p.Ala1245fs)

Gene: CCDC88C (coiled-coil and HOOK domain protein 88C; minus strand). Cytogenetic location: 14q32.11.
Variant type: Duplication.
Coding change: c.3733dup on transcript NM_001080414.4 (MANE Select); coding-DNA position 3733, one base duplicated (G; older notation c.3733dupG).
Protein change: p.Ala1245fs; shifts the reading frame from alanine 1245.
Molecular consequence: frameshift variant. On other transcripts: non-coding transcript variant (2).
Genome position (GRCh38, 1-based): chr14:91,299,973, C duplicated on the plus strand (G on the coding strand, the reverse complement: CCDC88C is on the minus strand). VCF-style (leftmost placement, unchanged base first): chr14-91299972-G-GC. GRCh37 (hg19) VCF-style: chr14-91766316-G-GC.
Other names: short protein forms A1245fs.
Identifiers: ClinVar variation 5002749 (VCV005002749.1).